The following is an entry in ClinVar:

NM_057176.3(BSND):c.220del (p.Ser74fs)

Gene: BSND (barttin CLCNK type accessory subunit beta; plus strand). Cytogenetic location: 1p32.3.
Variant type: Deletion.
Coding change: c.220del on transcript NM_057176.3 (MANE Select); coding-DNA position 220, one base deleted (T; older notation c.220delT).
Protein change: p.Ser74fs; shifts the reading frame from serine 74.
Molecular consequence: frameshift variant.
Genome position (GRCh38, 1-based): chr1:55,005,064, T deleted. VCF-style (leftmost placement, unchanged base first): chr1-55005063-CT-C. GRCh37 (hg19) VCF-style: chr1-55470736-CT-C.
Other names: short protein forms S74fs.
Identifiers: ClinVar variation 1458174 (VCV001458174.6), dbSNP rs2101647629, ClinGen allele CA2573132473.

ClinVar aggregate classification (germline): Pathogenic (1 of 4 stars; one submission).

Submission:

Labcorp Genetics (formerly Invitae), Labcorp
Classification: Pathogenic. Last evaluated: 2021-02-11. Review status: criteria provided, single submitter. Criteria: Invitae Variant Classification Sherloc (09022015). Collection method: clinical testing. Allele origin: germline.
Comment: For these reasons, this variant has been classified as Pathogenic. This variant has not been reported in the literature in individuals with BSND-related conditions. This variant is not present in population databases (ExAC no frequency). This sequence change creates a premature translational stop signal (p.Ser74Profs*16) in the BSND gene. It is expected to result in an absent or disrupted protein product. Loss-of-function variants in BSND are known to be pathogenic (PMID: 11687798).

Literature cited by the submitters: PubMed 11687798.